The following is an entry in ClinVar:

NM_015978.3(TNNI3K):c.955A>T (p.Ile319Phe)

Genes: FPGT-TNNI3K (FPGT-TNNI3K readthrough; plus strand), TNNI3K (TNNI3 interacting kinase; plus strand). Cytogenetic location: 1p31.1.
Variant type: single nucleotide variant.
Coding change: c.955A>T on transcript NM_015978.3 (MANE Select); coding-DNA position 955, A replaced by T.
Protein change: p.Ile319Phe; replaces isoleucine 319 with phenylalanine.
Molecular consequence: missense variant.
Genome position (GRCh38, 1-based): chr1:74,353,288, A>T. VCF-style: chr1-74353288-A-T. GRCh37 (hg19) VCF-style: chr1-74818972-A-T.
Other names: c.1258A>T, p.Ile420Phe (NM_001112808.3, NM_001199327.2); short protein forms I319F, I420F.
Identifiers: ClinVar variation 1374895 (VCV001374895.8), dbSNP rs200593720, ClinGen allele CA340783580.

ClinVar aggregate classification (germline): Uncertain significance (1 of 4 stars; one submission).

gnomAD v4.1: 3 of 1,613,646 alleles (0.00019%); highest among the groups gnomAD compares: African/African-American, 0.004%; no homozygotes.

Submission:

Labcorp Genetics (formerly Invitae), Labcorp
Classification: Uncertain significance. Last evaluated: 2025-09-25. Review status: criteria provided, single submitter. Criteria: Invitae Variant Classification Sherloc (09022015). Collection method: clinical testing. Allele origin: germline.
Comment: This sequence change replaces isoleucine, which is neutral and non-polar, with phenylalanine, which is neutral and non-polar, at codon 319 of the TNNI3K protein (p.Ile319Phe). This variant is present in population databases (no rsID available, gnomAD 0.01%). This variant has not been reported in the literature in individuals affected with TNNI3K-related conditions. ClinVar contains an entry for this variant (Variation ID: 1374895). Invitae Evidence Modeling of protein sequence and biophysical properties (such as structural, functional, and spatial information, amino acid conservation, physicochemical variation, residue mobility, and thermodynamic stability) indicates that this missense variant is not expected to disrupt TNNI3K protein function with a negative predictive value of 80%. In summary, the available evidence is currently insufficient to determine the role of this variant in disease. Therefore, it has been classified as a Variant of Uncertain Significance.